The following is an entry in ClinVar:

ClinVar aggregate classification (germline): Likely benign. Review status: criteria provided, single submitter (1 of 4 stars). 2 submissions from 2 submitters: Likely benign (1). 1 of the submissions does not count toward it. Last evaluated 2024-11-13.

Conditions:
DOCK7-related disorder. Also called: DOCK7-related condition.

Allele frequency attached by ClinVar (database versions not stated): gnomAD exomes 0.00009; ExAC 0.00017; gnomAD 0.00078; TOPMed 0.00081; 1000 Genomes Project 30x 0.00109; 1000 Genomes Project 0.00140.
gnomAD v4.1: 171 of 722,154 alleles (0.024%); highest among the groups gnomAD compares: African/African-American, 0.25%; 3 homozygotes.

Submissions (2):

Blueprint Genetics
Classification: Likely benign. Last evaluated: 2024-11-13. Review status: criteria provided, single submitter. Criteria: ACMG Guidelines, 2015. Collection method: clinical testing. Allele origin: germline.

PreventionGenetics, part of Exact Sciences
Classification: Likely benign for DOCK7-related condition. Last evaluated: 2021-02-11. Review status: no assertion criteria provided. Collection method: clinical testing. Allele origin: germline. Not counted in ClinVar's aggregate classification.
Comment: This variant is classified as likely benign based on ACMG/AMP sequence variant interpretation guidelines (Richards et al. 2015 PMID: 25741868, with internal and published modifications).

NM_001367561.1(DOCK7):c.1801-1585C>T

Gene: DOCK7 (dedicator of cytokinesis 7; minus strand). Cytogenetic location: 1p31.3.
Variant type: single nucleotide variant.
Coding change: c.1801-1585C>T on transcript NM_001367561.1 (MANE Select); 1585 bases into the intron before coding-DNA position 1801, C replaced by T.
Molecular consequence: intron variant. On other transcripts: missense variant (1).
Genome position (GRCh38, 1-based): chr1:62,584,839, G>A on the plus strand (C>T on the coding strand, the complement: DOCK7 is on the minus strand). VCF-style: chr1-62584839-G-A. GRCh37 (hg19) VCF-style: chr1-63050510-G-A.
Other names: c.1840C>T, p.Leu614Phe (NM_001272002.2); c.1801-1585C>T (NM_001272001.2, NM_001272000.2, NM_033407.4 and 2 more transcripts); short protein forms L614F.
Identifiers: ClinVar variation 3035727 (VCV003035727.3), dbSNP rs144665852, ClinGen allele CA886449.